The following is an entry in ClinVar:

NC_000007.13:g.(117254768_117267575)_(117267825_117282491)dup

Gene: CFTR (CF transmembrane conductance regulator; plus strand). Cytogenetic location: 7q31.2.
Variant type: Duplication.
Identifiers: ClinVar variation 2682386 (VCV002682386.2).

ClinVar aggregate classification (germline): Likely pathogenic (1 of 4 stars; one submission).

Conditions:
Cystic fibrosis (CF). Also called: MUCOVISCIDOSIS. Identifiers: Orphanet 586, MedGen C0010674, MONDO:0009061, OMIM 219700. Disease mechanism: loss of function.

Submission:

Women's Health and Genetics/Laboratory Corporation of America, LabCorp
Classification: Likely pathogenic for Cystic fibrosis. Last evaluated: 2025-05-26. Review status: criteria provided, single submitter. Criteria: LabCorp Variant Classification Summary - May 2015. Collection method: clinical testing. Allele origin: germline.
Comment: Variant summary: The variant involves the duplication of exons 22 in the CFTR gene. It is assumed to be a tandem duplication in direct orientation (PMIDs: 25640679, 30054569). This Copy Number Variant (CNV) is predicted to result in an in-frame duplication within this gene. A presumed nomenclature of c.(3468+1_3469-1)_(3717+1_3718-1)dup has been designated for the purposes of this classification. The variant was absent in 21694 control chromosomes. c.(3468+1_3469-1)_(3717+1_3718-1)dup (legacy name: CFTRdup19) has been observed in individual(s) affected with Pseudo Bartter syndrome (Erdogan_2021) and Cystic Fibrosis(Ahting_2023, Kopp_2011, Quemener_2010) . These data indicate that the variant is likely to be associated with disease. To our knowledge, no experimental evidence demonstrating an impact on protein function has been reported. The following publications have been ascertained in the context of this evaluation (PMID: 34860163, 21673536, 20052766, 37867076). ClinVar contains an entry for this variant (Variation ID: 2423163, 1804133). Based on the evidence outlined above, the variant was classified as likely pathogenic.

Literature cited by the submitters: PubMed 20052766; PubMed 21673536; PubMed 34860163; PubMed 37867076.